The following is an entry in ClinVar:

ClinVar aggregate classification (germline): Likely benign. Review status: criteria provided, multiple submitters, no conflicts (2 of 4 stars). 3 submissions from 3 submitters: Likely benign (2). 1 of the submissions does not count toward it. Last evaluated 2024-02-24.

Conditions:
PCNT-related disorder. Also called: PCNT-related condition.

Allele frequency attached by ClinVar (database versions not stated): gnomAD 0.00001; TOPMed 0.00001; ExAC 0.00006; 1000 Genomes Project 30x 0.00016; 1000 Genomes Project 0.00020.
gnomAD v4.1: 96 of 1,610,112 alleles (0.006%); highest among the groups gnomAD compares: Non-Finnish European, 0.0075%; no homozygotes.

Submissions (3):

Labcorp Genetics (formerly Invitae), Labcorp
Classification: Likely benign. Last evaluated: 2024-02-24. Review status: criteria provided, single submitter. Criteria: Invitae Variant Classification Sherloc (09022015). Collection method: clinical testing. Allele origin: germline.

Blueprint Genetics
Classification: Likely benign. Last evaluated: 2022-11-08. Review status: criteria provided, single submitter. Criteria: ACMG Guidelines, 2015. Collection method: clinical testing. Allele origin: germline.

PreventionGenetics, part of Exact Sciences
Classification: Likely benign for PCNT-related condition. Last evaluated: 2024-01-02. Review status: no assertion criteria provided. Collection method: clinical testing. Allele origin: germline. Not counted in ClinVar's aggregate classification.
Comment: This variant is classified as likely benign based on ACMG/AMP sequence variant interpretation guidelines (Richards et al. 2015 PMID: 25741868, with internal and published modifications).

NM_006031.6(PCNT):c.3165+7C>T

Gene: PCNT (pericentrin; plus strand). Cytogenetic location: 21q22.3.
Variant type: single nucleotide variant.
Coding change: c.3165+7C>T on transcript NM_006031.6 (MANE Select); 7 bases into the intron after coding-DNA position 3165, C replaced by T.
Molecular consequence: intron variant.
Genome position (GRCh38, 1-based): chr21:46,367,146, C>T. VCF-style: chr21-46367146-C-T. GRCh37 (hg19) VCF-style: chr21-47787061-C-T.
Other names: c.3165+7C>T (NM_006031.5); c.2811+7C>T (NM_001315529.2).
Identifiers: ClinVar variation 2919094 (VCV002919094.6), dbSNP rs539485268, ClinGen allele CA10079188.